The following is an entry in ClinVar:

ClinVar aggregate classification (germline): Uncertain significance (1 of 4 stars; one submission).

Conditions:
Peroxisome biogenesis disorder 5A (Zellweger) (PBD5A). Identifiers: Orphanet 912, MedGen C3553940, MONDO:0013932, OMIM 614866.

gnomAD v4.1: 2 of 1,614,062 alleles (0.00012%); highest among the groups gnomAD compares: African/African-American, 0.0027%; no homozygotes.

Submission:

Labcorp Genetics (formerly Invitae), Labcorp
Classification: Uncertain significance for Peroxisome biogenesis disorder 5A (Zellweger). Last evaluated: 2022-06-05. Review status: criteria provided, single submitter. Criteria: Invitae Variant Classification Sherloc (09022015). Collection method: clinical testing. Allele origin: germline.
Comment: This sequence change replaces alanine, which is neutral and non-polar, with threonine, which is neutral and polar, at codon 230 of the PEX2 protein (p.Ala230Thr). This variant is not present in population databases (gnomAD no frequency). This variant has not been reported in the literature in individuals affected with PEX2-related conditions. ClinVar contains an entry for this variant (Variation ID: 1398365). Algorithms developed to predict the effect of missense changes on protein structure and function output the following: SIFT: "Tolerated"; PolyPhen-2: "Benign"; Align-GVGD: "Class C0". The threonine amino acid residue is found in multiple mammalian species, which suggests that this missense change does not adversely affect protein function. In summary, the available evidence is currently insufficient to determine the role of this variant in disease. Therefore, it has been classified as a Variant of Uncertain Significance.

NM_000318.3(PEX2):c.688G>A (p.Ala230Thr)

Gene: PEX2 (peroxisomal biogenesis factor 2; minus strand). Cytogenetic location: 8q21.13.
Variant type: single nucleotide variant.
Coding change: c.688G>A on transcript NM_000318.3 (MANE Select); coding-DNA position 688, G replaced by A.
Protein change: p.Ala230Thr; replaces alanine 230 with threonine.
Molecular consequence: missense variant.
Genome position (GRCh38, 1-based): chr8:76,983,491, C>T on the plus strand (G>A on the coding strand, the complement: PEX2 is on the minus strand). VCF-style: chr8-76983491-C-T. GRCh37 (hg19) VCF-style: chr8-77895727-C-T.
Other names: c.688G>A, p.Ala230Thr (NM_001079867.2, NM_001172086.2, NM_001172087.2); short protein forms A230T.
Identifiers: ClinVar variation 1398365 (VCV001398365.3), dbSNP rs1475641448, ClinGen allele CA371556800.
Genomic context (GRCh38, chr8:76,983,491, plus strand): 5'-ACTCTCCACATAGAGCGCATTCTTTGCCACTGGTGGCTAATGTATTGTCACTATTAGGTG[C>T]ACCAGTAAGAGGAATACACCATGAAGACAGCTTGGCTTTCAACTTCTGGACATTGATAAG-3'
Protein context (NP_000309.2, residues 220-240): LSSWCIPLTG[Ala230Thr]PNSDNTLATS